The following is an entry in ClinVar:

ClinVar aggregate classification (germline): Likely benign. Review status: criteria provided, multiple submitters, no conflicts (2 of 4 stars). 4 submissions from 4 submitters: Likely benign (4). Last evaluated 2025-10-28.

Conditions:
Hereditary cancer-predisposing syndrome. Also called: Hereditary neoplastic syndrome; Tumor predisposition; Neoplastic Syndromes, Hereditary; Hereditary Cancer Syndrome. Identifiers: Orphanet 140162, MedGen C0027672, MeSH D009386, MONDO:0015356.
Neurofibromatosis, type 2 (SWNV). Also called: SCHWANNOMATOSIS, VESTIBULAR; NF2-Related Schwannomatosis; BILATERAL ACOUSTIC NEUROFIBROMATOSIS. Identifiers: Orphanet 637, MedGen C0027832, MONDO:0007039, OMIM 101000. Disease mechanism: loss of function.

Allele frequency attached by ClinVar (database versions not stated): TOPMed 0.00001.
gnomAD v4.1: 5 of 1,613,820 alleles (0.00031%); highest among the groups gnomAD compares: Non-Finnish European, 0.00042%; no homozygotes.

Submissions (4):

Mayo Clinic Laboratories, Mayo Clinic
Classification: Likely benign. Last evaluated: 2025-10-28. Review status: criteria provided, single submitter. Criteria: ACMG Guidelines, 2015. Collection method: clinical testing. Allele origin: germline. Observed: 1 variant allele.
Comment: BP4, BP7, PM2_supporting

Labcorp Genetics (formerly Invitae), Labcorp
Classification: Likely benign for Neurofibromatosis, type 2. Last evaluated: 2025-10-13. Review status: criteria provided, single submitter. Criteria: Invitae Variant Classification Sherloc (09022015). Collection method: clinical testing. Allele origin: germline.

Ambry Genetics
Classification: Likely benign for Hereditary cancer-predisposing syndrome. Last evaluated: 2023-01-01. Review status: criteria provided, single submitter. Criteria: Ambry Variant Classification Scheme 2023. Collection method: clinical testing. Allele origin: germline.

Blueprint Genetics
Classification: Likely benign. Last evaluated: 2022-03-08. Review status: criteria provided, single submitter. Criteria: ACMG Guidelines, 2015. Collection method: clinical testing. Allele origin: germline.

NM_000268.4(NF2):c.966A>G (p.Lys322=)

Gene: NF2 (NF2, moesin-ezrin-radixin like (MERLIN) tumor suppressor; plus strand). Cytogenetic location: 22q12.2.
Variant type: single nucleotide variant.
Coding change: c.966A>G on transcript NM_000268.4 (MANE Select); coding-DNA position 966, A replaced by G.
Protein change: p.Lys322=; no amino-acid change (lysine 322 retained).
Molecular consequence: synonymous variant. On other transcripts: non-coding transcript variant (1), intron variant (1).
Genome position (GRCh38, 1-based): chr22:29,668,413, A>G. VCF-style: chr22-29668413-A-G. GRCh37 (hg19) VCF-style: chr22-30064402-A-G.
Other names: p.Lys322=; c.966A>G, p.Lys322= (NM_016418.5, NM_181825.3, NM_181832.3); c.840A>G, p.Lys280= (NM_181828.3); c.843A>G, p.Lys281= (NM_181829.3); c.717A>G, p.Lys239= (NM_181830.3, NM_181831.3); c.447+26128A>G (NM_181833.3).
Identifiers: ClinVar variation 527714 (VCV000527714.19), dbSNP rs746175548, ClinGen allele CA036002.